The following is an entry in ClinVar:

ClinVar aggregate classification (germline): Pathogenic (3 of 4 stars; one submission).

Conditions:
Breast-ovarian cancer, familial, susceptibility to, 2 (BROVCA2). Also called: BRCA2 Hereditary Breast and Ovarian Cancer. Identifiers: Orphanet 145, MedGen C2675520, MONDO:0012933, OMIM 612555. Disease mechanism: loss of function.

Submission:

Evidence-based Network for the Interpretation of Germline Mutant Alleles (ENIGMA)
Classification: Pathogenic for Breast-ovarian cancer, familial, susceptibility to, 2. Last evaluated: 2019-06-18. Review status: reviewed by expert panel. Criteria: ENIGMA BRCA1/2 Classification Criteria (2017-06-29). Collection method: curation. Allele origin: germline.
Comment: IARC class based on posterior probability from multifactorial likelihood analysis, thresholds for class as per Plon et al. 2008 (PMID: 18951446). Class 5 based on posterior probability = 0.997329. This variant was reported to us with undefined breakpoints, therefore the clinical data from different families used in this classification may actually have different variants. However, due to the expected functional consequence being the same we have grouped them for analysis, assuming that variants that delete only these exons may be considered pathogenic (regardless of the breakpoints).

Literature cited by the submitters: PubMed 31131967.

NC_000013.11:g.(?_32315480)_(32316527_?)del

Gene: BRCA2 (BRCA2 DNA repair associated; plus strand).
Variant type: Deletion.
Identifiers: ClinVar variation 812554 (VCV000812554.2).